The following is an entry in ClinVar:

ClinVar aggregate classification (germline): Pathogenic (1 of 4 stars; one submission).

Conditions:
Familial cancer of breast. Also called: Hereditary breast cancer; BREAST CANCER, FAMILIAL; hereditary breast carcinoma. Identifiers: Orphanet 227535, MedGen C0346153, MONDO:0016419, OMIM 114480. Disease mechanism: loss of function.

Submission:

Myriad Genetics, Inc.
Classification: Pathogenic for Familial cancer of breast. Last evaluated: 2024-10-16. Review status: criteria provided, single submitter. Criteria: Myriad Autosomal Dominant, Autosomal Recessive and X-Linked Classification Criteria (2023). Collection method: clinical testing. Allele origin: unknown.
Comment: This variant is considered pathogenic. This variant creates a frameshift predicted to result in premature protein truncation.

NM_000051.4(ATM):c.1800_1801del (p.His600fs)

Gene: ATM (ATM serine/threonine kinase; plus strand). Cytogenetic location: 11q22.3.
Variant type: Microsatellite.
Coding change: c.1800_1801del on transcript NM_000051.4 (MANE Select); coding-DNA positions 1800 to 1801, 2 bases deleted (CA; older notation c.1800_1801delCA).
Protein change: p.His600fs; shifts the reading frame from histidine 600.
Molecular consequence: frameshift variant.
Genome position (GRCh38, 1-based): chr11:108,252,029-108,252,030, CA deleted; deleting any 2 consecutive bases within chr11:108,252,027-108,252,030 gives the same sequence; the c. name uses the placement nearest the transcript's 3' end. VCF-style (leftmost placement, unchanged base first): chr11-108252026-TCA-T. GRCh37 (hg19) VCF-style: chr11-108122753-TCA-T.
Other names: c.1800_1801del, p.His600fs (NM_001351834.2); short protein forms H600fs.
Identifiers: ClinVar variation 3773504 (VCV003773504.1).